The following is an entry in ClinVar:

ClinVar aggregate classification (germline): Likely pathogenic. Review status: criteria provided, single submitter (1 of 4 stars). 2 submissions from 2 submitters: Likely pathogenic (1). 1 of the submissions does not count toward it. Last evaluated 2026-01-19.

Conditions:
Hurler syndrome. Also called: Gargoylism, Hurler Syndrome; MUCOPOLYSACCHARIDOSIS TYPE IH; Severe MPS I (Hurler Syndrome). Identifiers: Orphanet 93473, MedGen C0086795, MONDO:0011758, OMIM 607014.
Mucopolysaccharidosis type 1. Also called: Mucopolysaccharidosis Type I; IDUA deficiency; MPS I. Identifiers: Orphanet 579, MedGen C0023786, MONDO:0001586.

Allele frequency attached by ClinVar (database versions not stated): gnomAD exomes below 0.00001.
gnomAD v4.1: 1 of 1,584,174 alleles (0.000063%); highest among the groups gnomAD compares: Non-Finnish European, 0.000086%; no homozygotes.

Submissions (2):

Labcorp Genetics (formerly Invitae), Labcorp
Classification: Likely pathogenic for Mucopolysaccharidosis type 1. Last evaluated: 2026-01-19. Review status: criteria provided, single submitter. Criteria: Invitae Variant Classification Sherloc (09022015). Collection method: clinical testing. Allele origin: germline.
Comment: This sequence change replaces asparagine, which is neutral and polar, with serine, which is neutral and polar, at codon 372 of the IDUA protein (p.Asn372Ser). This variant is not present in population databases (gnomAD no frequency). This missense change has been observed in individual(s) with mucopolysaccharidosis type I (PMID: 27146977). ClinVar contains an entry for this variant (Variation ID: 554765). Invitae Evidence Modeling of protein sequence and biophysical properties (such as structural, functional, and spatial information, amino acid conservation, physicochemical variation, residue mobility, and thermodynamic stability) indicates that this missense variant is expected to disrupt IDUA protein function with a positive predictive value of 80%. Algorithms developed to predict the effect of sequence changes on RNA splicing suggest that this variant may create or strengthen a splice site. In summary, the currently available evidence indicates that the variant is pathogenic, but additional data are needed to prove that conclusively. Therefore, this variant has been classified as Likely Pathogenic.

Counsyl
Classification: Uncertain significance for Hurler syndrome. Last evaluated: 2017-11-02. Review status: no assertion criteria provided. Collection method: clinical testing. Allele origin: unknown. Not counted in ClinVar's aggregate classification.

Literature cited by the submitters: PubMed 27146977 (cited by Labcorp Genetics (formerly Invitae), Labcorp and Counsyl).

NM_000203.5(IDUA):c.1115A>G (p.Asn372Ser)

Gene: IDUA (alpha-L-iduronidase; plus strand). Cytogenetic location: 4p16.3.
Variant type: single nucleotide variant.
Coding change: c.1115A>G on transcript NM_000203.5 (MANE Select); coding-DNA position 1115, A replaced by G.
Protein change: p.Asn372Ser; replaces asparagine 372 with serine.
Molecular consequence: missense variant. On other transcripts: non-coding transcript variant (1).
Genome position (GRCh38, 1-based): chr4:1,002,411, A>G. VCF-style: chr4-1002411-A-G. GRCh37 (hg19) VCF-style: chr4-996199-A-G.
Other names: c.719A>G, p.Asn240Ser (NM_001363576.1); short protein forms N372S, N240S.
Identifiers: ClinVar variation 554765 (VCV000554765.7), dbSNP rs1553917304, ClinGen allele CA355963365.